The following is an entry in ClinVar:

ClinVar aggregate classification (germline): Uncertain significance (0 of 4 stars; one submission).

Conditions:
GFI1B-related disorder. Also called: GFI1B-related condition.

gnomAD v4.1: 8 of 1,614,106 alleles (0.0005%); highest among the groups gnomAD compares: Non-Finnish European, 0.00068%; no homozygotes.

Submission:

PreventionGenetics, part of Exact Sciences
Classification: Uncertain significance for GFI1B-related condition. Last evaluated: 2024-03-27. Review status: no assertion criteria provided. Collection method: clinical testing. Allele origin: germline.
Comment: The GFI1B c.538G>T variant is predicted to result in the amino acid substitution p.Val180Leu. To our knowledge, this variant has not been reported in the literature. This variant is reported in 0.00088% of alleles in individuals of European (Non-Finnish) descent in gnomAD. At this time, the clinical significance of this variant is uncertain due to the absence of conclusive functional and genetic evidence.

NM_001377304.1(GFI1B):c.538G>T (p.Val180Leu)

Gene: GFI1B (growth factor independent 1B transcriptional repressor; plus strand). Cytogenetic location: 9q34.13.
Variant type: single nucleotide variant.
Coding change: c.538G>T on transcript NM_001377304.1 (MANE Select); coding-DNA position 538, G replaced by T.
Protein change: p.Val180Leu; replaces valine 180 with leucine.
Molecular consequence: missense variant. On other transcripts: intron variant (2).
Genome position (GRCh38, 1-based): chr9:132,989,088, G>T. VCF-style: chr9-132989088-G-T. GRCh37 (hg19) VCF-style: chr9-135864475-G-T.
Other names: c.538G>T, p.Val180Leu (NM_001371908.1, NM_004188.8); c.510+620G>T (NM_001135031.2, NM_001377305.1); short protein forms V180L.
Identifiers: ClinVar variation 3354808 (VCV003354808.1).